The following is an entry in ClinVar:

NM_001004334.4(GPR179):c.5849C>A (p.Thr1950Lys)

Gene: GPR179 (G protein-coupled receptor 179; minus strand). Cytogenetic location: 17q12.
Variant type: single nucleotide variant.
Coding change: c.5849C>A on transcript NM_001004334.4 (MANE Select); coding-DNA position 5849, C replaced by A.
Protein change: p.Thr1950Lys; replaces threonine 1950 with lysine.
Molecular consequence: missense variant.
Genome position (GRCh38, 1-based): chr17:38,327,720, G>T on the plus strand (C>A on the coding strand, the complement: GPR179 is on the minus strand). VCF-style: chr17-38327720-G-T. GRCh37 (hg19) VCF-style: chr17-36483603-G-T.
Other names: short protein forms T1950K.
Identifiers: ClinVar variation 1347480 (VCV001347480.8), dbSNP rs763714023, ClinGen allele CA290103290.

ClinVar aggregate classification (germline): Uncertain significance (1 of 4 stars; one submission).

Allele frequency attached by ClinVar (database versions not stated): ExAC 0.00130.

Submission:

Labcorp Genetics (formerly Invitae), Labcorp
Classification: Uncertain significance. Last evaluated: 2022-07-18. Review status: criteria provided, single submitter. Criteria: Invitae Variant Classification Sherloc (09022015). Collection method: clinical testing. Allele origin: germline.
Comment: This sequence change replaces threonine, which is neutral and polar, with lysine, which is basic and polar, at codon 1950 of the GPR179 protein (p.Thr1950Lys). The frequency data for this variant in the population databases is considered unreliable, as metrics indicate poor data quality at this position in the gnomAD database. In summary, the available evidence is currently insufficient to determine the role of this variant in disease. Therefore, it has been classified as a Variant of Uncertain Significance. Algorithms developed to predict the effect of missense changes on protein structure and function (SIFT, PolyPhen-2, Align-GVGD) all suggest that this variant is likely to be tolerated. ClinVar contains an entry for this variant (Variation ID: 1347480). This variant has not been reported in the literature in individuals affected with GPR179-related conditions.